The following is an entry in ClinVar:

ClinVar aggregate classification (germline): Uncertain significance (1 of 4 stars; one submission).

Conditions:
Diffuse cerebral and cerebellar atrophy - intractable seizures - progressive microcephaly syndrome. Also called: Microcephaly, progressive, with seizures and cerebral and cerebellar atrophy. Identifiers: Orphanet 404437, MedGen C4014239, MONDO:0014335, OMIM 615760.

Submission:

Labcorp Genetics (formerly Invitae), Labcorp
Classification: Uncertain significance for Diffuse cerebral and cerebellar atrophy - intractable seizures - progressive microcephaly syndrome. Last evaluated: 2020-07-10. Review status: criteria provided, single submitter. Criteria: Invitae Variant Classification Sherloc (09022015). Collection method: clinical testing. Allele origin: germline.
Comment: In summary, the available evidence is currently insufficient to determine the role of this variant in disease. Therefore, it has been classified as a Variant of Uncertain Significance. Algorithms developed to predict the effect of missense changes on protein structure and function are either unavailable or do not agree on the potential impact of this missense change (SIFT: "Deleterious"; PolyPhen-2: "Possibly Damaging"; Align-GVGD: "Class C0"). This variant has not been reported in the literature in individuals with QARS-related conditions. This variant is not present in population databases (ExAC no frequency). This sequence change replaces lysine with glutamine at codon 313 of the QARS protein (p.Lys313Gln). The lysine residue is highly conserved and there is a small physicochemical difference between lysine and glutamine.

NM_005051.3(QARS1):c.937A>C (p.Lys313Gln)

Gene: QARS1 (glutaminyl-tRNA synthetase 1; minus strand). Cytogenetic location: 3p21.31.
Variant type: single nucleotide variant.
Coding change: c.937A>C on transcript NM_005051.3 (MANE Select); coding-DNA position 937, A replaced by C.
Protein change: p.Lys313Gln; replaces lysine 313 with glutamine.
Molecular consequence: missense variant. On other transcripts: non-coding transcript variant (1).
Genome position (GRCh38, 1-based): chr3:49,100,614, T>G on the plus strand (A>C on the coding strand, the complement: QARS1 is on the minus strand). VCF-style: chr3-49100614-T-G. GRCh37 (hg19) VCF-style: chr3-49138047-T-G.
Other names: c.904A>C, p.Lys302Gln (NM_001272073.2); short protein forms K302Q, K313Q.
Identifiers: ClinVar variation 1007307 (VCV001007307.5), dbSNP rs746386543, ClinGen allele CA352712092.